The following is an entry in ClinVar:

NM_000440.3(PDE6A):c.1937del (p.Ile646fs)

Gene: PDE6A (phosphodiesterase 6A; minus strand). Cytogenetic location: 5q32.
Variant type: Deletion.
Coding change: c.1937del on transcript NM_000440.3 (MANE Select); coding-DNA position 1937, one base deleted (T; older notation c.1937delT).
Protein change: p.Ile646fs; shifts the reading frame from isoleucine 646.
Molecular consequence: frameshift variant.
Genome position (GRCh38, 1-based): chr5:149,884,569, A deleted on the plus strand (T on the coding strand, the reverse complement: PDE6A is on the minus strand). VCF-style (leftmost placement, unchanged base first): chr5-149884568-GA-G. GRCh37 (hg19) VCF-style: chr5-149264131-GA-G.
Other names: c.1694delT, p.Ile565Thrfs (NM_001410788.1); short protein forms I646fs.
Identifiers: ClinVar variation 1952061 (VCV001952061.5), dbSNP rs2088130375, ClinGen allele CA1590695252.
Genomic context (GRCh38, chr5:149,884,568, plus strand): 5'-GATTGCAATGTCCATCATGTGGATGGCATGCTCATGCTGTCGACGATTGAGGTTTTGAAA[GA>G]TATTCAGGCTCTAAAGAAAAAAAGAGAAGCGAGATGGGAGAGAATTGATGCTGGCAGTAA-3'

ClinVar aggregate classification (germline): Pathogenic (1 of 4 stars; one submission).

Allele frequency attached by ClinVar (database versions not stated): TOPMed 0.00001.

Submission:

Labcorp Genetics (formerly Invitae), Labcorp
Classification: Pathogenic. Last evaluated: 2022-04-10. Review status: criteria provided, single submitter. Criteria: Invitae Variant Classification Sherloc (09022015). Collection method: clinical testing. Allele origin: germline.
Comment: This sequence change creates a premature translational stop signal (p.Ile646Thrfs*16) in the PDE6A gene. It is expected to result in an absent or disrupted protein product. Loss-of-function variants in PDE6A are known to be pathogenic (PMID: 7493036, 22128245, 23847139). This variant is not present in population databases (gnomAD no frequency). For these reasons, this variant has been classified as Pathogenic. This variant has not been reported in the literature in individuals affected with PDE6A-related conditions.

Literature cited by the submitters: PubMed 7493036; PubMed 22128245; PubMed 23847139.